The following is an entry in ClinVar:

ClinVar aggregate classification (germline): Uncertain significance (1 of 4 stars; one submission).

Conditions:
Hypertrophic cardiomyopathy. Also called: HYPERTROPHIC MYOCARDIOPATHY. Identifiers: Orphanet 217569, MedGen C0007194, MeSH D002312, MONDO:0005045, HP:0001639.

Submission:

Labcorp Genetics (formerly Invitae), Labcorp
Classification: Uncertain significance for Hypertrophic cardiomyopathy. Last evaluated: 2022-01-15. Review status: criteria provided, single submitter. Criteria: Invitae Variant Classification Sherloc (09022015). Collection method: clinical testing. Allele origin: germline.
Comment: This variant has not been reported in the literature in individuals affected with MYH7-related conditions. In summary, the available evidence is currently insufficient to determine the role of this variant in disease. Therefore, it has been classified as a Variant of Uncertain Significance. Algorithms developed to predict the effect of sequence changes on RNA splicing suggest that this variant may create or strengthen a splice site. Algorithms developed to predict the effect of missense changes on protein structure and function are either unavailable or do not agree on the potential impact of this missense change (SIFT: "Deleterious"; PolyPhen-2: "Probably Damaging"; Align-GVGD: "Class C0"). This variant is not present in population databases (gnomAD no frequency). This sequence change replaces glycine, which is neutral and non-polar, with cysteine, which is neutral and slightly polar, at codon 144 of the MYH7 protein (p.Gly144Cys).

NM_000257.4(MYH7):c.430G>T (p.Gly144Cys)

Gene: MYH7 (myosin heavy chain 7; minus strand). Cytogenetic location: 14q11.2.
Variant type: single nucleotide variant.
Coding change: c.430G>T on transcript NM_000257.4 (MANE Select); coding-DNA position 430, G replaced by T.
Protein change: p.Gly144Cys; replaces glycine 144 with cysteine.
Molecular consequence: missense variant.
Genome position (GRCh38, 1-based): chr14:23,432,711, C>A on the plus strand (G>T on the coding strand, the complement: MYH7 is on the minus strand). VCF-style: chr14-23432711-C-A. GRCh37 (hg19) VCF-style: chr14-23901920-C-A.
Other names: c.430G>T, p.Gly144Cys (NM_001407004.1); short protein forms G144C.
Identifiers: ClinVar variation 2106223 (VCV002106223.4), dbSNP rs1036184671, ClinGen allele CA389052835.